The following is an entry in ClinVar:

ClinVar aggregate classification (germline): Likely pathogenic (1 of 4 stars; one submission).

Conditions:
Complex cortical dysplasia with other brain malformations 7. Identifiers: Orphanet 300573, MedGen C3552236, MONDO:0012399, OMIM 610031.

Submission:

Juno Genomics, Hangzhou Juno Genomics, Inc
Classification: Likely pathogenic for Complex cortical dysplasia with other brain malformations 7. Review status: criteria provided, single submitter. Criteria: ACMG Guidelines, 2015. Collection method: clinical testing. Allele origin: germline. Affected: yes.
Comment: Absent from controls (or at extremely low frequency if recessive) in Genome Aggregation Database.;Multiple lines of computational evidence support a deleterious effect on the gene or gene product.;Missense variant in a gene that has a low rate of benign missense variation.;Co-segregation with disease in multiple affected family members.;Patient's phenotype or family history is highly specific for a disease with a single genetic etiology.

NM_178012.5(TUBB2B):c.1057G>A (p.Val353Met)

Gene: TUBB2B (tubulin beta 2B class IIb; minus strand). Cytogenetic location: 6p25.2.
Variant type: single nucleotide variant.
Coding change: c.1057G>A on transcript NM_178012.5 (MANE Select); coding-DNA position 1057, G replaced by A.
Protein change: p.Val353Met; replaces valine 353 with methionine.
Molecular consequence: missense variant.
Genome position (GRCh38, 1-based): chr6:3,225,032, C>T on the plus strand (G>A on the coding strand, the complement: TUBB2B is on the minus strand). VCF-style: chr6-3225032-C-T. GRCh37 (hg19) VCF-style: chr6-3225266-C-T.
Other names: short protein forms V353M.
Identifiers: ClinVar variation 2505103 (VCV002505103.3), dbSNP rs2533617114, ClinGen allele CA362585570.